The following is an entry in ClinVar:

ClinVar aggregate classification (germline): Uncertain significance. Review status: criteria provided, single submitter (1 of 4 stars). 2 submissions from 2 submitters: Uncertain significance (1). 1 of the submissions does not count toward it. Last evaluated 2023-08-27.

Conditions:
LAMA5-related disorder. Also called: LAMA5-related condition; LAMA5-Related Disorders.

Allele frequency attached by ClinVar (database versions not stated): TOPMed 0.00015; gnomAD exomes 0.00022; ExAC 0.00015; gnomAD 0.00015.
gnomAD v4.1: 332 of 1,548,492 alleles (0.021%); highest among the groups gnomAD compares: Non-Finnish European, 0.027%; no homozygotes.

Submissions (2):

Labcorp Genetics (formerly Invitae), Labcorp
Classification: Uncertain significance. Last evaluated: 2023-08-27. Review status: criteria provided, single submitter. Criteria: Invitae Variant Classification Sherloc (09022015). Collection method: clinical testing. Allele origin: germline.
Comment: This sequence change replaces arginine, which is basic and polar, with tryptophan, which is neutral and slightly polar, at codon 849 of the LAMA5 protein (p.Arg849Trp). In summary, the available evidence is currently insufficient to determine the role of this variant in disease. Therefore, it has been classified as a Variant of Uncertain Significance. An algorithm developed to predict the effect of missense changes on protein structure and function (PolyPhen-2) suggests that this variant is likely to be disruptive. ClinVar contains an entry for this variant (Variation ID: 1981108). This variant has not been reported in the literature in individuals affected with LAMA5-related conditions. This variant is present in population databases (rs757320347, gnomAD 0.02%).

PreventionGenetics, part of Exact Sciences
Classification: Uncertain significance for LAMA5-related condition. Last evaluated: 2024-08-29. Review status: no assertion criteria provided. Collection method: clinical testing. Allele origin: germline. Not counted in ClinVar's aggregate classification.
Comment: The LAMA5 c.2545C>T variant is predicted to result in the amino acid substitution p.Arg849Trp. To our knowledge, this variant has not been reported in the literature. This variant is reported in 0.022% of alleles in individuals of European (Non-Finnish) descent in gnomAD. At this time, the clinical significance of this variant is uncertain due to the absence of conclusive functional and genetic evidence.

NM_005560.6(LAMA5):c.2545C>T (p.Arg849Trp)

Gene: LAMA5 (laminin subunit alpha 5; minus strand). Cytogenetic location: 20q13.33.
Variant type: single nucleotide variant.
Coding change: c.2545C>T on transcript NM_005560.6 (MANE Select); coding-DNA position 2545, C replaced by T.
Protein change: p.Arg849Trp; replaces arginine 849 with tryptophan.
Molecular consequence: missense variant.
Genome position (GRCh38, 1-based): chr20:62,334,559, G>A on the plus strand (C>T on the coding strand, the complement: LAMA5 is on the minus strand). VCF-style: chr20-62334559-G-A. GRCh37 (hg19) VCF-style: chr20-60909615-G-A.
Other names: c.2545C>T (NM_005560.4); short protein forms R849W.
Identifiers: ClinVar variation 1981108 (VCV001981108.4), dbSNP rs757320347, ClinGen allele CA9943411.